The following is an entry in ClinVar:

ClinVar aggregate classification (germline): Uncertain significance (1 of 4 stars; one submission).

Allele frequency attached by ClinVar (database versions not stated): gnomAD 0.00004 and 0.00005; TOPMed 0.00006; ESP Exome Variant Server 0.00008.
gnomAD v4.1: 45 of 1,613,880 alleles (0.0028%); highest among the groups gnomAD compares: African/African-American, 0.0053%; no homozygotes.

Submission:

Labcorp Genetics (formerly Invitae), Labcorp
Classification: Uncertain significance. Last evaluated: 2025-09-02. Review status: criteria provided, single submitter. Criteria: Invitae Variant Classification Sherloc (09022015). Collection method: clinical testing. Allele origin: germline.
Comment: This sequence change replaces arginine, which is basic and polar, with histidine, which is basic and polar, at codon 505 of the CDH2 protein (p.Arg505His). This variant is present in population databases (rs143201939, gnomAD 0.008%). This variant has not been reported in the literature in individuals affected with CDH2-related conditions. ClinVar contains an entry for this variant (Variation ID: 1507698). An algorithm developed to predict the effect of missense changes on protein structure and function (PolyPhen-2) suggests that this variant is likely to be disruptive. In summary, the available evidence is currently insufficient to determine the role of this variant in disease. Therefore, it has been classified as a Variant of Uncertain Significance.

NM_001792.5(CDH2):c.1514G>A (p.Arg505His)

Gene: CDH2 (cadherin 2; minus strand). Cytogenetic location: 18q12.1.
Variant type: single nucleotide variant.
Coding change: c.1514G>A on transcript NM_001792.5 (MANE Select); coding-DNA position 1514, G replaced by A.
Protein change: p.Arg505His; replaces arginine 505 with histidine.
Molecular consequence: missense variant.
Genome position (GRCh38, 1-based): chr18:27,990,181, C>T on the plus strand (G>A on the coding strand, the complement: CDH2 is on the minus strand). VCF-style: chr18-27990181-C-T. GRCh37 (hg19) VCF-style: chr18-25570145-C-T.
Other names: c.1421G>A, p.Arg474His (NM_001308176.2); short protein forms R505H, R474H.
Identifiers: ClinVar variation 1507698 (VCV001507698.6), dbSNP rs143201939, ClinGen allele CA8923375.